The following is an entry in ClinVar:

ClinVar aggregate classification (germline): Uncertain significance. Review status: criteria provided, single submitter (1 of 4 stars). 2 submissions from 2 submitters: Uncertain significance (1). 1 of the submissions does not count toward it. Last evaluated 2024-02-12.

Conditions:
TBX3-related disorder. Also called: TBX3-related condition.
Ulnar-mammary syndrome (UMS). Also called: Ulnar-mammary syndrome of Pallister; PALLISTER ULNAR-MAMMARY SYNDROME; SCHINZEL SYNDROME. Identifiers: Orphanet 3138, MedGen C1866994, MONDO:0008411, OMIM 181450.

Allele frequency attached by ClinVar (database versions not stated): gnomAD exomes 0.00001; gnomAD 0.00002.
gnomAD v4.1: 17 of 1,549,304 alleles (0.0011%); highest among the groups gnomAD compares: Middle Eastern, 0.051%; no homozygotes.

Submissions (2):

Labcorp Genetics (formerly Invitae), Labcorp
Classification: Uncertain significance for Ulnar-mammary syndrome. Last evaluated: 2024-02-12. Review status: criteria provided, single submitter. Criteria: Invitae Variant Classification Sherloc (09022015). Collection method: clinical testing. Allele origin: germline.
Comment: This sequence change replaces alanine, which is neutral and non-polar, with threonine, which is neutral and polar, at codon 484 of the TBX3 protein (p.Ala484Thr). The frequency data for this variant in the population databases is considered unreliable, as metrics indicate poor data quality at this position in the gnomAD database. This variant has not been reported in the literature in individuals affected with TBX3-related conditions. An algorithm developed to predict the effect of missense changes on protein structure and function (PolyPhen-2) suggests that this variant is likely to be tolerated. In summary, the available evidence is currently insufficient to determine the role of this variant in disease. Therefore, it has been classified as a Variant of Uncertain Significance.

PreventionGenetics, part of Exact Sciences
Classification: Uncertain significance for TBX3-related condition. Last evaluated: 2024-01-31. Review status: no assertion criteria provided. Collection method: clinical testing. Allele origin: germline. Not counted in ClinVar's aggregate classification.
Comment: The TBX3 c.1510G>A variant is predicted to result in the amino acid substitution p.Ala504Thr. To our knowledge, this variant has not been reported in the literature. This variant is reported in 0.0041% of alleles in individuals of Latino descent in gnomAD. At this time, the clinical significance of this variant is uncertain due to the absence of conclusive functional and genetic evidence.

NM_005996.4(TBX3):c.1450G>A (p.Ala484Thr)

Gene: TBX3 (T-box transcription factor 3; minus strand). Cytogenetic location: 12q24.21.
Variant type: single nucleotide variant.
Coding change: c.1450G>A on transcript NM_005996.4 (MANE Select); coding-DNA position 1450, G replaced by A.
Protein change: p.Ala484Thr; replaces alanine 484 with threonine.
Molecular consequence: missense variant.
Genome position (GRCh38, 1-based): chr12:114,674,425, C>T on the plus strand (G>A on the coding strand, the complement: TBX3 is on the minus strand). VCF-style: chr12-114674425-C-T. GRCh37 (hg19) VCF-style: chr12-115112230-C-T.
Other names: c.1510G>A, p.Ala504Thr (NM_016569.4); short protein forms A484T, A504T.
Identifiers: ClinVar variation 3040800 (VCV003040800.4), dbSNP rs780531262, ClinGen allele CA6809916.